The following is an entry in ClinVar:

ClinVar aggregate classification (germline): Uncertain significance (1 of 4 stars; one submission).

gnomAD v4.1: 3 of 1,208,143 alleles (0.00025%); highest among the groups gnomAD compares: Middle Eastern, 0.023%; no homozygotes.

Submission:

Labcorp Genetics (formerly Invitae), Labcorp
Classification: Uncertain significance. Last evaluated: 2024-10-15. Review status: criteria provided, single submitter. Criteria: Invitae Variant Classification Sherloc (09022015). Collection method: clinical testing. Allele origin: germline.
Comment: This sequence change replaces serine, which is neutral and polar, with asparagine, which is neutral and polar, at codon 1631 of the USP9X protein (p.Ser1631Asn). This variant is not present in population databases (gnomAD no frequency). This variant has not been reported in the literature in individuals affected with USP9X-related conditions. An algorithm developed to predict the effect of missense changes on protein structure and function outputs the following: PolyPhen-2: "Benign". The asparagine amino acid residue is found in multiple mammalian species, which suggests that this missense change does not adversely affect protein function. In summary, the available evidence is currently insufficient to determine the role of this variant in disease. Therefore, it has been classified as a Variant of Uncertain Significance.

NM_001039591.3(USP9X):c.4892G>A (p.Ser1631Asn)

Gene: USP9X (ubiquitin specific peptidase 9 X-linked; plus strand). Cytogenetic location: Xp11.4.
Variant type: single nucleotide variant.
Coding change: c.4892G>A on transcript NM_001039591.3 (MANE Select); coding-DNA position 4892, G replaced by A.
Protein change: p.Ser1631Asn; replaces serine 1631 with asparagine.
Molecular consequence: missense variant.
Genome position (GRCh38, 1-based): chrX:41,205,370, G>A. VCF-style: chrX-41205370-G-A. GRCh37 (hg19) VCF-style: chrX-41064623-G-A.
Other names: c.4892G>A, p.Ser1631Asn (NM_001039590.3); c.4907G>A, p.Ser1636Asn (NM_001410748.1, NM_001410749.1); short protein forms S1631N, S1636N.
Identifiers: ClinVar variation 3674978 (VCV003674978.2).